The following is an entry in ClinVar:

ClinVar aggregate classification (germline): Conflicting classifications of pathogenicity. Review status: criteria provided, conflicting classifications (1 of 4 stars). 4 submissions from 4 submitters: Uncertain significance (3); Likely benign (1). Last evaluated 2025-11-03.

Conditions:
Hereditary spastic paraplegia 7 (SPG7). Also called: SPASTIC PARAPLEGIA 7, AUTOSOMAL RECESSIVE, WITH OR WITHOUT CEREBELLAR ATAXIA; Autosomal recessive spastic paraplegia type 7; Spastic paraplegia 7; Hereditary spastic paraplegia Paraplegin type; SPG7-related neurologic disorder. Identifiers: Orphanet 99013, MedGen C1846564, MONDO:0011803, OMIM 607259.
Inborn genetic diseases. Identifiers: MedGen C0950123, MeSH D030342.

Allele frequency attached by ClinVar (database versions not stated): gnomAD 0.00011; TOPMed 0.00015.
gnomAD v4.1: 32 of 1,511,348 alleles (0.0021%); highest among the groups gnomAD compares: African/African-American, 0.035%; no homozygotes.

Submissions (4):

Labcorp Genetics (formerly Invitae), Labcorp
Classification: Uncertain significance for Hereditary spastic paraplegia 7. Last evaluated: 2025-11-03. Review status: criteria provided, single submitter. Criteria: Invitae Variant Classification Sherloc (09022015). Collection method: clinical testing. Allele origin: germline.
Comment: This sequence change replaces glycine, which is neutral and non-polar, with cysteine, which is neutral and slightly polar, at codon 26 of the SPG7 protein (p.Gly26Cys). The frequency data for this variant in the population databases is considered unreliable, as metrics indicate poor data quality at this position in the gnomAD database. This variant has not been reported in the literature in individuals affected with SPG7-related conditions. ClinVar contains an entry for this variant (Variation ID: 960164). Invitae Evidence Modeling of protein sequence and biophysical properties (such as structural, functional, and spatial information, amino acid conservation, physicochemical variation, residue mobility, and thermodynamic stability) indicates that this missense variant is not expected to disrupt SPG7 protein function with a negative predictive value of 95%. In summary, the available evidence is currently insufficient to determine the role of this variant in disease. Therefore, it has been classified as a Variant of Uncertain Significance.

Ambry Genetics
Classification: Uncertain significance for Inborn genetic diseases. Last evaluated: 2025-01-03. Review status: criteria provided, single submitter. Criteria: Ambry Variant Classification Scheme 2023. Collection method: clinical testing. Allele origin: germline.

Athena Diagnostics
Classification: Uncertain significance. Last evaluated: 2023-02-16. Review status: criteria provided, single submitter. Criteria: Athena Diagnostics Criteria. Collection method: clinical testing. Allele origin: unknown.
Comment: Available data are insufficient to determine the clinical significance of the variant at this time. The frequency of this variant in the general population is uninformative in assessment of its pathogenicity. Computational tools predict that this variant is not damaging.

Blueprint Genetics
Classification: Likely benign. Last evaluated: 2022-01-19. Review status: criteria provided, single submitter. Criteria: ACMG Guidelines, 2015. Collection method: clinical testing. Allele origin: germline.

NM_003119.4(SPG7):c.76G>T (p.Gly26Cys)

Genes: SPG7 (SPG7 matrix AAA peptidase subunit, paraplegin; plus strand), LOC130059818 (ATAC-STARR-seq lymphoblastoid silent region 7911; plus strand). Cytogenetic location: 16q24.3.
Variant type: single nucleotide variant.
Coding change: c.76G>T on transcript NM_003119.4 (MANE Select); coding-DNA position 76, G replaced by T.
Protein change: p.Gly26Cys; replaces glycine 26 with cysteine.
Molecular consequence: missense variant.
Genome position (GRCh38, 1-based): chr16:89,508,493, G>T. VCF-style: chr16-89508493-G-T. GRCh37 (hg19) VCF-style: chr16-89574901-G-T.
Other names: c.76G>T (NM_003119.2); c.76G>T, p.Gly26Cys (NM_001363850.1, NM_199367.3); short protein forms G26C.
Identifiers: ClinVar variation 960164 (VCV000960164.11), dbSNP rs763721899, ClinGen allele CA286519237.
Genomic context (GRCh38, chr16:89,508,493, plus strand): 5'-CTGCTGCTCCGTGCCCTCCGCCGGGGTCCAGGCCCGGGTCCTCGGCCGCTGTGGGGCCCA[G>T]GCCCGGCCTGGAGTCCAGGGTTCCCCGCCAGGCCCGGGAGGGGGCGGCCGTACATGGCCA-3'
Protein context (NP_003110.1, residues 16-36): GPGPRPLWGP[Gly26Cys]PAWSPGFPAR